The following is an entry in ClinVar:

NM_001089.3(ABCA3):c.634C>A (p.Leu212Met)

Gene: ABCA3 (ATP binding cassette subfamily A member 3; minus strand). Cytogenetic location: 16p13.3.
Variant type: single nucleotide variant.
Coding change: c.634C>A on transcript NM_001089.3 (MANE Select); coding-DNA position 634, C replaced by A.
Protein change: p.Leu212Met; replaces leucine 212 with methionine.
Molecular consequence: missense variant.
Genome position (GRCh38, 1-based): chr16:2,319,820, G>T on the plus strand (C>A on the coding strand, the complement: ABCA3 is on the minus strand). VCF-style: chr16-2319820-G-T. GRCh37 (hg19) VCF-style: chr16-2369821-G-T.
Other names: short protein forms L212M.
Identifiers: ClinVar variation 666611 (VCV000666611.42), dbSNP rs139695699, ClinGen allele CA7841567.
Genomic context (GRCh38, chr16:2,319,820, plus strand): 5'-GTGTGGCGGCATCGGCATGGTACTCCATGATGGCCCGGTCCACAGCATGCTGCACGGCCA[G>T]GAAGCCTTCCCGGATGTACCCTGGGTGCGGGAGCAGAGGATGGCCCAGCCACCTCGAGGA-3'
Protein context (NP_001080.2, residues 202-222): GEPGYIREGF[Leu212Met]AVQHAVDRAI

ClinVar aggregate classification (germline): Conflicting classifications of pathogenicity. Review status: criteria provided, conflicting classifications (1 of 4 stars). 6 submissions from 6 submitters: Uncertain significance (1); Benign (2); Likely benign (2). 1 of the submissions does not count toward it. Last evaluated 2026-06-01.

Conditions:
ABCA3-related disorder. Also called: ABCA3-related condition.
Hereditary pulmonary alveolar proteinosis. Also called: Pulmonary surfactant metabolism dysfunction. Identifiers: Orphanet 264675, MedGen C3711368, MONDO:0012580.
Interstitial lung disease due to ABCA3 deficiency. Also called: PULMONARY ALVEOLAR PROTEINOSIS, CONGENITAL, 3. Identifiers: Orphanet 440402, MedGen C1970456, MONDO:0012582, OMIM 610921.

Allele frequency attached by ClinVar (database versions not stated): 1000 Genomes Project 30x 0.00031; 1000 Genomes Project 0.00040; gnomAD 0.00076 and 0.00077; gnomAD exomes 0.00080 and 0.00143; TOPMed 0.00108; ExAC 0.00114; ESP Exome Variant Server 0.00123.
gnomAD v4.1: 1,389 of 1,613,980 alleles (0.086%); highest among the groups gnomAD compares: Middle Eastern, 1.1%; 12 homozygotes.

Submissions (6):

CeGaT Center for Human Genetics Tuebingen
Classification: Likely benign. Last evaluated: 2026-06-01. Review status: criteria provided, single submitter. Criteria: CeGaT Center For Human Genetics Tuebingen Variant Classification Criteria Version 2. Collection method: clinical testing. Allele origin: germline. Affected: yes. Observed: 3 variant alleles.
Comment: ABCA3: BS2

Labcorp Genetics (formerly Invitae), Labcorp
Classification: Benign. Last evaluated: 2026-01-28. Review status: criteria provided, single submitter. Criteria: Invitae Variant Classification Sherloc (09022015). Collection method: clinical testing. Allele origin: germline.

Laboratory for Molecular Medicine, Mass General Brigham Personalized Medicine
Classification: Benign. Last evaluated: 2018-07-03. Review status: criteria provided, single submitter. Criteria: LMM Criteria. Collection method: clinical testing. Allele origin: germline. Observed: 1 variant allele.
Comment: This variant has been identified in 1.96% (198/10122) of Ashkenazi Jewish chromo somes by the Genome Aggregation Database (gnomAD, rg; dbSNP rs139695699). ACMG/AMP criteria applied: PP3, BA1.

Ambry Genetics
Classification: Likely benign for Hereditary pulmonary alveolar proteinosis. Last evaluated: 2018-02-26. Review status: criteria provided, single submitter. Criteria: Ambry Variant Classification Scheme 2023. Collection method: clinical testing. Allele origin: germline.

Illumina Laboratory Services, Illumina
Classification: Uncertain significance for Interstitial lung disease due to ABCA3 deficiency. Last evaluated: 2017-04-27. Review status: criteria provided, single submitter. Criteria: ICSL Variant Classification Criteria 13 December 2019. Collection method: clinical testing. Allele origin: germline.

PreventionGenetics, part of Exact Sciences
Classification: Likely benign for ABCA3-related condition. Last evaluated: 2021-07-22. Review status: no assertion criteria provided. Collection method: clinical testing. Allele origin: germline. Not counted in ClinVar's aggregate classification.
Comment: This variant is classified as likely benign based on ACMG/AMP sequence variant interpretation guidelines (Richards et al. 2015 PMID: 25741868, with internal and published modifications).

Literature cited by the submitters: PubMed 17597647 (cited by Laboratory for Molecular Medicine, Mass General Brigham Personalized Medicine and Ambry Genetics); PubMed 22337229 (cited by Laboratory for Molecular Medicine, Mass General Brigham Personalized Medicine).